The following is an entry in ClinVar:

ClinVar aggregate classification (germline): Uncertain significance (1 of 4 stars; one submission).

Conditions:
Hereditary sensory and autonomic neuropathy type 6. Also called: HSAN VI; Neuropathy, hereditary sensory and autonomic, type VI. Identifiers: Orphanet 314381, MedGen C3539003, MONDO:0013839, OMIM 614653.
Epidermolysis bullosa simplex 3, localized or generalized intermediate, with BP230 deficiency (EBS3). Also called: Epidermolysis bullosa simplex, autosomal recessive 2; Epidermolysis bullosa simplex due to BP230 deficiency. Identifiers: Orphanet 412181, MedGen C3809470, MONDO:0014180, OMIM 615425.

Allele frequency attached by ClinVar (database versions not stated): gnomAD exomes below 0.00001; TOPMed below 0.00001.
gnomAD v4.1: 4 of 1,613,924 alleles (0.00025%); highest among the groups gnomAD compares: East Asian, 0.0022%; no homozygotes.

Submission:

Labcorp Genetics (formerly Invitae), Labcorp
Classification: Uncertain significance for Epidermolysis bullosa simplex 3, localized or generalized intermediate, with BP230 deficiency; Hereditary sensory and autonomic neuropathy type 6. Last evaluated: 2022-04-15. Review status: criteria provided, single submitter. Criteria: Invitae Variant Classification Sherloc (09022015). Collection method: clinical testing. Allele origin: germline.
Comment: This sequence change replaces arginine, which is basic and polar, with glutamine, which is neutral and polar, at codon 2856 of the DST protein (p.Arg2856Gln). The DST gene has multiple clinically relevant transcripts. This variant occurs in alternate transcript NM_015548.4, and corresponds to NM_001723.5:c.*63161G>A in the primary transcript. This variant is not present in population databases (gnomAD no frequency). This variant has not been reported in the literature in individuals affected with DST-related conditions. Experimental studies and prediction algorithms are not available or were not evaluated, and the functional significance of this variant is currently unknown. In summary, the available evidence is currently insufficient to determine the role of this variant in disease. Therefore, it has been classified as a Variant of Uncertain Significance.

NM_001374736.1(DST):c.16436G>A (p.Arg5479Gln)

Gene: DST (dystonin; minus strand). Cytogenetic location: 6p12.1.
Variant type: single nucleotide variant.
Coding change: c.16436G>A on transcript NM_001374736.1 (MANE Select); coding-DNA position 16436, G replaced by A.
Protein change: p.Arg5479Gln; replaces arginine 5479 with glutamine.
Molecular consequence: missense variant.
Genome position (GRCh38, 1-based): chr6:56,552,356, C>T on the plus strand (G>A on the coding strand, the complement: DST is on the minus strand). VCF-style: chr6-56552356-C-T. GRCh37 (hg19) VCF-style: chr6-56417154-C-T.
Other names: c.10079G>A, p.Arg3360Gln (NM_001144769.5); c.9665G>A, p.Arg3222Gln (NM_001144770.2); c.16436G>A, p.Arg5479Gln (NM_001374722.1); c.15803G>A, p.Arg5268Gln (NM_001374729.1); c.9545G>A, p.Arg3182Gln (NM_001374730.1, NM_001386100.1, NM_183380.4); c.16463G>A, p.Arg5488Gln (NM_001374734.1); c.8567G>A, p.Arg2856Gln (NM_015548.5); short protein forms R3182Q, R3222Q, R3360Q, R5479Q, R5488Q, R2856Q, R5268Q.
Identifiers: ClinVar variation 1912567 (VCV001912567.4), dbSNP rs1183762025, ClinGen allele CA364513601.